The following is an entry in ClinVar:

NM_001845.6(COL4A1):c.1943dup (p.Gly649fs)

Gene: COL4A1 (collagen type IV alpha 1 chain; minus strand). Cytogenetic location: 13q34.
Variant type: Duplication.
Coding change: c.1943dup on transcript NM_001845.6 (MANE Select); coding-DNA position 1943, one base duplicated (C; older notation c.1943dupC).
Protein change: p.Gly649fs; shifts the reading frame from glycine 649.
Molecular consequence: frameshift variant.
Genome position (GRCh38, 1-based): chr13:110,183,231, G duplicated on the plus strand (C on the coding strand, the reverse complement: COL4A1 is on the minus strand); the first of 6 consecutive G bases (chr13:110,183,231-110,183,236); duplicating any one gives the same sequence. VCF-style (leftmost placement, unchanged base first): chr13-110183230-A-AG. GRCh37 (hg19) VCF-style: chr13-110835577-A-AG.
Other names: short protein forms G649fs.
Identifiers: ClinVar variation 5038080 (VCV005038080.1).
Genomic context (GRCh38, chr13:110,183,230, plus strand): 5'-AATTCCAATCGTACCTTGGGGACCTGGGAAGCCTGGGGACCCCGGCAGTCCTTCTGCTCC[A>AG]GGGGGGCCTGGTAAAGGAACAATTTTTCCTGGTTCACCCTTTGGACCTAGAGGAAAAAAA-3'

ClinVar aggregate classification (germline): Likely pathogenic (1 of 4 stars; one submission).

Conditions:
Autosomal dominant familial hematuria-retinal arteriolar tortuosity-contractures syndrome. Also called: Angiopathy, hereditary, with nephropathy, aneurysms, and muscle cramps; Hereditary Angiopathy with Nephropathy, Aneurysms, and Muscle Cramps (HANAC) Syndrome. Identifiers: Orphanet 73229, MedGen C2673195, MONDO:0012726, OMIM 611773.

Submission:

MVZ Medizinische Genetik Mainz
Classification: Likely pathogenic for Autosomal dominant familial hematuria-retinal arteriolar tortuosity-contractures syndrome. Last evaluated: 2026-04-21. Review status: criteria provided, single submitter. Criteria: UK Practice Guidelines For Variant Classification V4 01 2020. Collection method: clinical testing. Allele origin: germline. Inheritance: Autosomal dominant inheritance. Affected: yes. Observed: 1 variant allele.
Comment: ACMG Criteria: PVS1,PM2_SUP